The following is an entry in ClinVar:

NM_002890.3(RASA1):c.1777-1G>C

Genes: CCNH (cyclin H; minus strand), RASA1 (RAS p21 protein activator 1; plus strand). Cytogenetic location: 5q14.3.
Variant type: single nucleotide variant.
Coding change: c.1777-1G>C on transcript NM_002890.3 (MANE Select); the canonical splice acceptor site of the intron before coding-DNA position 1777, G replaced by C.
Molecular consequence: splice acceptor variant. On other transcripts: intron variant (1).
Genome position (GRCh38, 1-based): chr5:87,374,162, G>C. VCF-style: chr5-87374162-G-C. GRCh37 (hg19) VCF-style: chr5-86669979-G-C.
Other names: c.1246-1G>C (NM_022650.3); c.933+20882C>G (NM_001364075.2).
Identifiers: ClinVar variation 4813447 (VCV004813447.1).
Genomic context (GRCh38, chr5:87,374,162, plus strand): 5'-AAATGTAGTGCAATTCTAGAAATCTGGGGTAATATATATATATATATTTTTTTTTTTTTA[G>C]GTCAGCAGCCTTGTTTTACATATTGAAGAAGCCCATAAACTCCCAGTAAAACATTTTACT-3'

ClinVar aggregate classification (germline): Likely pathogenic (1 of 4 stars; one submission).

Conditions:
Capillary malformation-arteriovenous malformation 1 (CMAVM1). Identifiers: Orphanet 137667, Orphanet 693907, MedGen C4747394, MONDO:0020783, OMIM 608354.

Submission:

MVZ Praenatalmedizin und Genetik Nuernberg
Classification: Likely pathogenic for Capillary malformation-arteriovenous malformation 1. Last evaluated: 2025-08-04. Review status: criteria provided, single submitter. Criteria: ACMG Guidelines, 2015. Collection method: clinical testing. Allele origin: de novo. Affected: yes.
Comment: This variant is located in the highly conserved splicing-consensus-region at position -1 and is therefore considered likely pathogenic. Accordingly computer-based predictions (in silico) conducted for this purpose have resulted in a pathogenic assessment of the variant. Another variant located in this splicing-consensus-region (c.1777-2A>T) was already listed in ClinVar as likely pathogenic.